The following is an entry in ClinVar:

ClinVar aggregate classification (germline): Uncertain significance (1 of 4 stars; one submission).

Allele frequency attached by ClinVar (database versions not stated): gnomAD exomes 0.00001; ExAC 0.00002; ESP Exome Variant Server 0.00008.
gnomAD v4.1: 16 of 1,614,132 alleles (0.00099%); highest among the groups gnomAD compares: Non-Finnish European, 0.0013%; no homozygotes.

Submission:

Labcorp Genetics (formerly Invitae), Labcorp
Classification: Uncertain significance. Last evaluated: 2021-07-19. Review status: criteria provided, single submitter. Criteria: Invitae Variant Classification Sherloc (09022015). Collection method: clinical testing. Allele origin: germline.
Comment: In summary, the available evidence is currently insufficient to determine the role of this variant in disease. Therefore, it has been classified as a Variant of Uncertain Significance. Algorithms developed to predict the effect of missense changes on protein structure and function (SIFT, PolyPhen-2, Align-GVGD) all suggest that this variant is likely to be tolerated, but these predictions have not been confirmed by published functional studies and their clinical significance is uncertain. This variant has not been reported in the literature in individuals with MTOR-related conditions. This variant is present in population databases (rs375825284, ExAC 0.003%). This sequence change replaces proline with alanine at codon 991 of the MTOR protein (p.Pro991Ala). The proline residue is highly conserved and there is a small physicochemical difference between proline and alanine.

NM_004958.4(MTOR):c.2971C>G (p.Pro991Ala)

Gene: MTOR (mechanistic target of rapamycin kinase; minus strand). Cytogenetic location: 1p36.22.
Variant type: single nucleotide variant.
Coding change: c.2971C>G on transcript NM_004958.4 (MANE Select); coding-DNA position 2971, C replaced by G.
Protein change: p.Pro991Ala; replaces proline 991 with alanine.
Molecular consequence: missense variant.
Genome position (GRCh38, 1-based): chr1:11,228,727, G>C on the plus strand (C>G on the coding strand, the complement: MTOR is on the minus strand). VCF-style: chr1-11228727-G-C. GRCh37 (hg19) VCF-style: chr1-11288784-G-C.
Other names: short protein forms P991A.
Identifiers: ClinVar variation 842951 (VCV000842951.9), dbSNP rs375825284, ClinGen allele CA590347.